The following is an entry in ClinVar:

NM_000548.5(TSC2):c.1835T>C (p.Leu612Pro)

Gene: TSC2 (TSC complex subunit 2; plus strand). Cytogenetic location: 16p13.3.
Variant type: single nucleotide variant.
Coding change: c.1835T>C on transcript NM_000548.5 (MANE Select); coding-DNA position 1835, T replaced by C.
Protein change: p.Leu612Pro; replaces leucine 612 with proline.
Molecular consequence: missense variant.
Genome position (GRCh38, 1-based): chr16:2,070,574, T>C. VCF-style: chr16-2070574-T-C. GRCh37 (hg19) VCF-style: chr16-2120575-T-C.
Other names: c.1835T>C, p.Leu612Pro (NM_001077183.3, NM_001114382.3, NM_001363528.2 and 3 more transcripts); c.1724T>C, p.Leu575Pro (NM_001318827.2); c.1688T>C, p.Leu563Pro (NM_001318829.2); c.1235T>C, p.Leu412Pro (NM_001318831.2); c.1868T>C, p.Leu623Pro (NM_001318832.2); short protein forms L612P, L623P, L563P, L412P, L575P.
Identifiers: ClinVar variation 623238 (VCV000623238.13), dbSNP rs1567458244, ClinGen allele CA394273013.

ClinVar aggregate classification (germline): Conflicting classifications of pathogenicity. Review status: criteria provided, conflicting classifications (1 of 4 stars). 3 submissions from 3 submitters: Likely pathogenic (1); Uncertain significance (2). Last evaluated 2024-08-19.

Conditions:
Tuberous sclerosis 2 (TSC2). Identifiers: Orphanet 805, MedGen C1860707, MONDO:0013199, OMIM 613254.

Submissions (3):

Labcorp Genetics (formerly Invitae), Labcorp
Classification: Uncertain significance for Tuberous sclerosis 2. Last evaluated: 2024-08-19. Review status: criteria provided, single submitter. Criteria: Invitae Variant Classification Sherloc (09022015). Collection method: clinical testing. Allele origin: germline.
Comment: This sequence change replaces leucine, which is neutral and non-polar, with proline, which is neutral and non-polar, at codon 612 of the TSC2 protein (p.Leu612Pro). This variant is not present in population databases (gnomAD no frequency). This missense change has been observed in individual(s) with tuberous sclerosis complex (TSC) (PMID: 25782670, 31655562). ClinVar contains an entry for this variant (Variation ID: 623238). Invitae Evidence Modeling of protein sequence and biophysical properties (such as structural, functional, and spatial information, amino acid conservation, physicochemical variation, residue mobility, and thermodynamic stability) indicates that this missense variant is not expected to disrupt TSC2 protein function with a negative predictive value of 95%. In summary, the available evidence is currently insufficient to determine the role of this variant in disease. Therefore, it has been classified as a Variant of Uncertain Significance.

Genome-Nilou Lab
Classification: Uncertain significance for Tuberous sclerosis 2. Last evaluated: 2021-11-07. Review status: criteria provided, single submitter. Criteria: ACMG Guidelines, 2015. Collection method: clinical testing. Allele origin: germline. Affected: no.

Molecular Diagnostics Laboratory, M Health Fairview: University of Minnesota
Classification: Likely pathogenic for Tuberous sclerosis 2. Last evaluated: 2018-06-06. Review status: criteria provided, single submitter. Criteria: ACMG Guidelines, 2015. Collection method: clinical testing. Allele origin: germline. Affected: yes. Observed: 1 variant allele.

Literature cited by the submitters: PubMed 25782670 (cited by Labcorp Genetics (formerly Invitae), Labcorp and Molecular Diagnostics Laboratory, M Health Fairview: University of Minnesota); PubMed 31655562 (cited by Labcorp Genetics (formerly Invitae), Labcorp).